The following is an entry in ClinVar:

ClinVar aggregate classification (germline): Conflicting classifications of pathogenicity. Review status: criteria provided, conflicting classifications (1 of 4 stars). 2 submissions from 2 submitters: Likely pathogenic (1); Uncertain significance (1). Last evaluated 2025-09-28.

Allele frequency attached by ClinVar (database versions not stated): gnomAD exomes below 0.00001 and 0.00001; ExAC 0.00001.
gnomAD v4.1: 2 of 1,614,106 alleles (0.00012%); highest among the groups gnomAD compares: Non-Finnish European, 0.00017%; no homozygotes.

Submissions (2):

Labcorp Genetics (formerly Invitae), Labcorp
Classification: Uncertain significance. Last evaluated: 2025-09-28. Review status: criteria provided, single submitter. Criteria: Invitae Variant Classification Sherloc (09022015). Collection method: clinical testing. Allele origin: germline.
Comment: This sequence change replaces serine, which is neutral and polar, with glycine, which is neutral and non-polar, at codon 61 of the TK2 protein (p.Ser61Gly). This variant is present in population databases (rs747276038, gnomAD 0.002%). This variant has not been reported in the literature in individuals affected with TK2-related conditions. ClinVar contains an entry for this variant (Variation ID: 421862). Invitae Evidence Modeling of protein sequence and biophysical properties (such as structural, functional, and spatial information, amino acid conservation, physicochemical variation, residue mobility, and thermodynamic stability) indicates that this missense variant is expected to disrupt TK2 protein function with a positive predictive value of 95%. In summary, the available evidence is currently insufficient to determine the role of this variant in disease. Therefore, it has been classified as a Variant of Uncertain Significance.

GeneDx
Classification: Likely pathogenic. Last evaluated: 2016-10-24. Review status: criteria provided, single submitter. Criteria: GeneDx Variant Classification (06012015). Collection method: clinical testing. Allele origin: germline. Affected: yes.
Comment: The S61G variant has not been published as a pathogenic variant, nor has it been reported as a benign variant to our knowledge. The S61G variant was not observed in approximately 6,500 individuals of European and African American ancestry in the NHLBI Exome Sequencing Project, indicating it is not a common benign variant in these populations. The S61G variant is a non-conservative amino acid substitution, which is likely to impact secondary protein structure as these residues differ in polarity, charge, size and/or other properties. This substitution occurs at a position that is conserved across species, and in silico analysis predicts this variant is probably damaging to the protein structure/function. Additionally, several in-silico splice prediction models predict that the c.181 A>G variant responsible for S61G creates a cryptic donor site which may supplant the natural donor site and lead to abnormal gene splicing. However, in the absence of RNA/functional studies, the actual effect of this sequence change in this individual is unknown. Therefore, based on the currently available information, it is unclear whether this variant is a pathogenic variant or a rare benign variant.

NM_004614.5(TK2):c.181A>G (p.Ser61Gly)

Gene: TK2 (thymidine kinase 2; minus strand). Cytogenetic location: 16q21.
Variant type: single nucleotide variant.
Coding change: c.181A>G on transcript NM_004614.5 (MANE Select); coding-DNA position 181, A replaced by G.
Protein change: p.Ser61Gly; replaces serine 61 with glycine.
Molecular consequence: missense variant. On other transcripts: 5 prime UTR variant (1), non-coding transcript variant (1), intron variant (1).
Genome position (GRCh38, 1-based): chr16:66,541,929, T>C on the plus strand (A>G on the coding strand, the complement: TK2 is on the minus strand). VCF-style: chr16-66541929-T-C. GRCh37 (hg19) VCF-style: chr16-66575832-T-C.
Other names: c.88A>G, p.Ser30Gly (NM_001172643.1, NM_001271935.1); c.181A>G, p.Ser61Gly (NM_001172645.2); c.34A>G, p.Ser12Gly (NM_001271934.2); c.-111A>G (NM_001272050.2); c.157-4912A>G (NM_001172644.2); short protein forms S61G, S12G, S30G.
Identifiers: ClinVar variation 421862 (VCV000421862.6), dbSNP rs747276038, ClinGen allele CA8093771.